The following is an entry in ClinVar:

ClinVar aggregate classification (germline): Uncertain significance (1 of 4 stars; one submission).

Conditions:
Autosomal recessive limb-girdle muscular dystrophy type 2A (LGMDR1). Also called: Limb-girdle muscular dystrophy, type 2A; Calpainopathy; LEYDEN-MOEBIUS MUSCULAR DYSTROPHY; MUSCULAR DYSTROPHY, PELVOFEMORAL; Muscular dystrophy, limb-girdle, type 2A, Amish. Identifiers: Orphanet 267, MedGen C1869123, MONDO:0009675, OMIM 253600. Disease mechanism: loss of function.

gnomAD v4.1: 15 of 1,613,514 alleles (0.00093%); highest among the groups gnomAD compares: East Asian, 0.0045%; no homozygotes.

Submission:

Labcorp Genetics (formerly Invitae), Labcorp
Classification: Uncertain significance for Autosomal recessive limb-girdle muscular dystrophy type 2A. Last evaluated: 2025-12-02. Review status: criteria provided, single submitter. Criteria: Invitae Variant Classification Sherloc (09022015). Collection method: clinical testing. Allele origin: germline.
Comment: This sequence change replaces proline, which is neutral and non-polar, with leucine, which is neutral and non-polar, at codon 2 of the CAPN3 protein (p.Pro2Leu). This variant is present in population databases (rs373919252, gnomAD 0.006%). This variant has not been reported in the literature in individuals affected with CAPN3-related conditions. An algorithm developed to predict the effect of missense changes on protein structure and function outputs the following: PolyPhen-2: "Benign". The leucine amino acid residue is found in multiple mammalian species, which suggests that this missense change does not adversely affect protein function. In summary, the available evidence is currently insufficient to determine the role of this variant in disease. Therefore, it has been classified as a Variant of Uncertain Significance.

NM_000070.3(CAPN3):c.5C>T (p.Pro2Leu)

Gene: CAPN3 (calpain 3; plus strand). Cytogenetic location: 15q15.1.
Variant type: single nucleotide variant.
Coding change: c.5C>T on transcript NM_000070.3 (MANE Select); coding-DNA position 5, C replaced by T.
Protein change: p.Pro2Leu; replaces proline 2 with leucine.
Molecular consequence: missense variant.
Genome position (GRCh38, 1-based): chr15:42,359,810, C>T. VCF-style: chr15-42359810-C-T. GRCh37 (hg19) VCF-style: chr15-42652008-C-T.
Other names: c.5C>T, p.Pro2Leu (NM_024344.2, NM_173087.2); short protein forms P2L.
Identifiers: ClinVar variation 4754767 (VCV004754767.1).